The following is an entry in ClinVar:

NM_001845.6(COL4A1):c.1718A>G (p.Lys573Arg)

Gene: COL4A1 (collagen type IV alpha 1 chain; minus strand). Cytogenetic location: 13q34.
Variant type: single nucleotide variant.
Coding change: c.1718A>G on transcript NM_001845.6 (MANE Select); coding-DNA position 1718, A replaced by G.
Protein change: p.Lys573Arg; replaces lysine 573 with arginine.
Molecular consequence: missense variant.
Genome position (GRCh38, 1-based): chr13:110,187,148, T>C on the plus strand (A>G on the coding strand, the complement: COL4A1 is on the minus strand). VCF-style: chr13-110187148-T-C. GRCh37 (hg19) VCF-style: chr13-110839495-T-C.
Other names: c.1718A>G (NM_001845.4); short protein forms K573R.
Identifiers: ClinVar variation 2985525 (VCV002985525.5), dbSNP rs2501800340, ClinGen allele CA388722869.
Genomic context (GRCh38, chr13:110,187,148, plus strand): 5'-TGCAGATCCACACTGTAAAATGCACATTCAAAGTCTGGAGATAAACATACCGGCGAGCCC[T>C]TGGGGCCAGGAAGACCCGGATGGCCATCTCTTCCAGGAGAACCCGCTCTCCCTGGCATGC-3'
Protein context (NP_001836.3, residues 563-583): RDGHPGLPGP[Lys573Arg]GSPGSVGLKG

ClinVar aggregate classification (germline): Uncertain significance. Review status: criteria provided, multiple submitters, no conflicts (2 of 4 stars). 3 submissions from 3 submitters: Uncertain significance (3). Last evaluated 2025-02-19.

Conditions:
Inborn genetic diseases. Identifiers: MedGen C0950123, MeSH D030342.

Allele frequency attached by ClinVar (database versions not stated): gnomAD exomes below 0.00001.
gnomAD v4.1: 3 of 1,614,018 alleles (0.00019%); highest among the groups gnomAD compares: Non-Finnish European, 0.000085%; no homozygotes.

Submissions (3):

Ambry Genetics
Classification: Uncertain significance for Inborn genetic diseases. Last evaluated: 2025-02-19. Review status: criteria provided, single submitter. Criteria: Ambry Variant Classification Scheme 2023. Collection method: clinical testing. Allele origin: germline.

Revvity Omics, Revvity
Classification: Uncertain significance. Last evaluated: 2024-09-24. Review status: criteria provided, single submitter. Criteria: ACMG Guidelines, 2015. Collection method: clinical testing. Allele origin: germline.

Labcorp Genetics (formerly Invitae), Labcorp
Classification: Uncertain significance. Last evaluated: 2022-12-08. Review status: criteria provided, single submitter. Criteria: Invitae Variant Classification Sherloc (09022015). Collection method: clinical testing. Allele origin: germline.
Comment: In summary, the available evidence is currently insufficient to determine the role of this variant in disease. Therefore, it has been classified as a Variant of Uncertain Significance. Algorithms developed to predict the effect of missense changes on protein structure and function output the following: SIFT: "Tolerated"; PolyPhen-2: "Benign"; Align-GVGD: "Class C0". The arginine amino acid residue is found in multiple mammalian species, which suggests that this missense change does not adversely affect protein function. This variant has not been reported in the literature in individuals affected with COL4A1-related conditions. This variant is not present in population databases (gnomAD no frequency). This sequence change replaces lysine, which is basic and polar, with arginine, which is basic and polar, at codon 573 of the COL4A1 protein (p.Lys573Arg).